The following is an entry in ClinVar:

NM_005546.4(ITK):c.91T>C (p.Phe31Leu)

Gene: ITK (IL2 inducible T cell kinase; plus strand). Cytogenetic location: 5q33.3.
Variant type: single nucleotide variant.
Coding change: c.91T>C on transcript NM_005546.4 (MANE Select); coding-DNA position 91, T replaced by C.
Protein change: p.Phe31Leu; replaces phenylalanine 31 with leucine.
Molecular consequence: missense variant.
Genome position (GRCh38, 1-based): chr5:157,181,068, T>C. VCF-style: chr5-157181068-T-C. GRCh37 (hg19) VCF-style: chr5-156608079-T-C.
Other names: short protein forms F31L.
Identifiers: ClinVar variation 1042777 (VCV001042777.8), dbSNP rs1753503357, ClinGen allele CA361966518.

ClinVar aggregate classification (germline): Uncertain significance (1 of 4 stars; one submission).

Conditions:
Lymphoproliferative syndrome 1 (LPFS1). Identifiers: Orphanet 238505, Orphanet 538963, MedGen C3552634, MONDO:0013081, OMIM 613011.

Submission:

Labcorp Genetics (formerly Invitae), Labcorp
Classification: Uncertain significance for Lymphoproliferative syndrome 1. Last evaluated: 2020-11-24. Review status: criteria provided, single submitter. Criteria: Invitae Variant Classification Sherloc (09022015). Collection method: clinical testing. Allele origin: germline.
Comment: This variant has not been reported in the literature in individuals with ITK-related conditions. Advanced modeling of protein sequence and biophysical properties (such as structural, functional, and spatial information, amino acid conservation, physicochemical variation, residue mobility, and thermodynamic stability) performed at Invitae indicates that this missense variant is not expected to disrupt ITK protein function. In summary, the available evidence is currently insufficient to determine the role of this variant in disease. Therefore, it has been classified as a Variant of Uncertain Significance. This variant is not present in population databases (ExAC no frequency). This sequence change replaces phenylalanine with leucine at codon 31 of the ITK protein (p.Phe31Leu). The phenylalanine residue is highly conserved and there is a small physicochemical difference between phenylalanine and leucine.